The following is an entry in ClinVar:

NM_012200.4(B3GAT3):c.593C>T (p.Thr198Ile)

Gene: B3GAT3 (beta-1,3-glucuronyltransferase 3; minus strand). Cytogenetic location: 11q12.3.
Variant type: single nucleotide variant.
Coding change: c.593C>T on transcript NM_012200.4 (MANE Select); coding-DNA position 593, C replaced by T.
Protein change: p.Thr198Ile; replaces threonine 198 with isoleucine.
Molecular consequence: missense variant. On other transcripts: non-coding transcript variant (1).
Genome position (GRCh38, 1-based): chr11:62,617,012, G>A on the plus strand (C>T on the coding strand, the complement: B3GAT3 is on the minus strand). VCF-style: chr11-62617012-G-A. GRCh37 (hg19) VCF-style: chr11-62384484-G-A.
Other names: c.572C>T, p.Thr191Ile (NM_001288721.2); c.593C>T, p.Thr198Ile (NM_001288722.2, NM_001288723.2); short protein forms T198I, T191I.
Identifiers: ClinVar variation 427041 (VCV000427041.11), dbSNP rs753781915, ClinGen allele CA6050085.
Genomic context (GRCh38, chr11:62,617,012, plus strand): 5'-CCTGGTCTCTTGCCCATCCCCATCCTGGTGCTCACCTCCTCAAACAGCTCCCGGCTGTAG[G>A]TGTTGTCATCGTCAGCAAAGTAGACGACTCCTTGGGTCCCTGGTGGTGGTGGGTCCTTCT-3'
Protein context (NP_036332.2, residues 188-208): GVVYFADDDN[Thr198Ile]YSRELFEEMR

ClinVar aggregate classification (germline): Uncertain significance. Review status: criteria provided, multiple submitters, no conflicts (2 of 4 stars). 2 submissions from 2 submitters: Uncertain significance (2). Last evaluated 2025-11-05.

Conditions:
Larsen-like syndrome, B3GAT3 type. Also called: Multiple joint dislocations, short stature, craniofacial dysmorphism, with or without congenital heart defects; MULTIPLE JOINT DISLOCATIONS, SHORT STATURE, AND CRANIOFACIAL DYSMORPHISM WITH OR WITHOUT CONGENITAL HEART DEFECTS. Identifiers: Orphanet 284139, MedGen CN034159, MONDO:0009511, OMIM 245600.

Allele frequency attached by ClinVar (database versions not stated): ExAC 0.00001; gnomAD exomes 0.00001; TOPMed 0.00001.
gnomAD v4.1: 4 of 1,614,240 alleles (0.00025%); highest among the groups gnomAD compares: Admixed American, 0.0067%; no homozygotes.

Submissions (2):

GeneDx
Classification: Uncertain significance. Last evaluated: 2025-11-05. Review status: criteria provided, single submitter. Criteria: GeneDx Variant Classification Process June 2021. Collection method: clinical testing. Allele origin: germline. Affected: yes.
Comment: Identified in a patient with congenital kyphoscoliosis, multiple fractures, hearing loss, and mild dilation of the aorta in published literature who also had a de novo deletion of chromosome 1q21.1q21.2 (PMID: 27271787); Not observed at significant frequency in large population cohorts (gnomAD); In silico analysis supports that this missense variant has a deleterious effect on protein structure/function; This variant is associated with the following publications: (PMID: 31589614, 27271787)

Labcorp Genetics (formerly Invitae), Labcorp
Classification: Uncertain significance for Larsen-like syndrome, B3GAT3 type. Last evaluated: 2025-10-08. Review status: criteria provided, single submitter. Criteria: Invitae Variant Classification Sherloc (09022015). Collection method: clinical testing. Allele origin: germline.
Comment: This sequence change replaces threonine, which is neutral and polar, with isoleucine, which is neutral and non-polar, at codon 198 of the B3GAT3 protein (p.Thr198Ile). This variant is present in population databases (rs753781915, gnomAD 0.009%). This missense change has been observed in individual(s) with B3GAT3-related conditions (PMID: 27271787; internal data). ClinVar contains an entry for this variant (Variation ID: 427041). Invitae Evidence Modeling of protein sequence and biophysical properties (such as structural, functional, and spatial information, amino acid conservation, physicochemical variation, residue mobility, and thermodynamic stability) indicates that this missense variant is not expected to disrupt B3GAT3 protein function with a negative predictive value of 80%. In summary, the available evidence is currently insufficient to determine the role of this variant in disease. Therefore, it has been classified as a Variant of Uncertain Significance.

Literature cited by the submitters: PubMed 27271787 (cited by Labcorp Genetics (formerly Invitae), Labcorp).